The following is an entry in ClinVar:

ClinVar aggregate classification (germline): Uncertain significance. Review status: criteria provided, multiple submitters, no conflicts (2 of 4 stars). 5 submissions from 5 submitters: Uncertain significance (5). Last evaluated 2025-11-25.

Conditions:
Familial cancer of breast. Also called: hereditary breast carcinoma; Hereditary breast cancer; BREAST CANCER, FAMILIAL. Identifiers: Orphanet 227535, MedGen C0346153, MONDO:0016419, OMIM 114480. Disease mechanism: loss of function.
Hereditary cancer-predisposing syndrome. Also called: Tumor predisposition; Hereditary Cancer Syndrome; Neoplastic Syndromes, Hereditary; Hereditary neoplastic syndrome. Identifiers: Orphanet 140162, MedGen C0027672, MeSH D009386, MONDO:0015356.

Allele frequency attached by ClinVar (database versions not stated): gnomAD exomes below 0.00001.

Submissions (5):

Ambry Genetics
Classification: Uncertain significance for Hereditary cancer-predisposing syndrome. Last evaluated: 2025-11-25. Review status: criteria provided, single submitter. Criteria: Ambry Variant Classification Scheme 2023. Collection method: clinical testing. Allele origin: germline.
Comment: The p.C74Y variant (also known as c.221G>A), located in coding exon 3 of the BARD1 gene, results from a G to A substitution at nucleotide position 221. The cysteine at codon 74 is replaced by tyrosine, an amino acid with highly dissimilar properties. This amino acid position is highly conserved in available vertebrate species. In addition, this alteration is predicted to be deleterious by in silico analysis. Since supporting evidence is limited at this time, the clinical significance of this alteration remains unclear.

Labcorp Genetics (formerly Invitae), Labcorp
Classification: Uncertain significance for Familial cancer of breast. Last evaluated: 2025-07-08. Review status: criteria provided, single submitter. Criteria: Invitae Variant Classification Sherloc (09022015). Collection method: clinical testing. Allele origin: germline.
Comment: This sequence change replaces cysteine, which is neutral and slightly polar, with tyrosine, which is neutral and polar, at codon 74 of the BARD1 protein (p.Cys74Tyr). The frequency data for this variant in the population databases is considered unreliable, as metrics indicate poor data quality at this position in the gnomAD database. This variant has not been reported in the literature in individuals affected with BARD1-related conditions. ClinVar contains an entry for this variant (Variation ID: 482770). An algorithm developed to predict the effect of missense changes on protein structure and function (PolyPhen-2) suggests that this variant is likely to be disruptive. In summary, the available evidence is currently insufficient to determine the role of this variant in disease. Therefore, it has been classified as a Variant of Uncertain Significance.

Blueprint Genetics
Classification: Uncertain significance. Last evaluated: 2024-06-26. Review status: criteria provided, single submitter. Criteria: ACMG Guidelines, 2015. Collection method: clinical testing. Allele origin: germline.

Color Diagnostics, LLC DBA Color Health
Classification: Uncertain significance for Hereditary cancer-predisposing syndrome. Last evaluated: 2023-09-25. Review status: criteria provided, single submitter. Criteria: ACMG Guidelines, 2015. Collection method: clinical testing. Allele origin: germline.
Comment: This missense variant replaces cysteine with tyrosine at codon 74 of the BARD1 protein. Computational prediction suggests that this variant may have deleterious impact on protein structure and function (internally defined REVEL score threshold >= 0.7, PMID: 27666373). To our knowledge, functional studies have not been reported for this variant. This variant has not been reported in individuals affected with BARD1-related disorders in the literature. This variant has not been identified in the general population by the Genome Aggregation Database (gnomAD). The available evidence is insufficient to determine the role of this variant in disease conclusively. Therefore, this variant is classified as a Variant of Uncertain Significance.

GeneDx
Classification: Uncertain significance. Last evaluated: 2021-02-23. Review status: criteria provided, single submitter. Criteria: GeneDx Variant Classification Process June 2021. Collection method: clinical testing. Allele origin: germline. Affected: yes.
Comment: Not observed at a significant frequency in large population cohorts (Lek 2016); In silico analysis supports that this missense variant has a deleterious effect on protein structure/function; Has not been previously published as pathogenic or benign to our knowledge

NM_000465.4(BARD1):c.221G>A (p.Cys74Tyr)

Gene: BARD1 (BRCA1 associated RING domain 1; minus strand). Cytogenetic location: 2q35.
Variant type: single nucleotide variant.
Coding change: c.221G>A on transcript NM_000465.4 (MANE Select); coding-DNA position 221, G replaced by A.
Protein change: p.Cys74Tyr; replaces cysteine 74 with tyrosine.
Molecular consequence: missense variant. On other transcripts: non-coding transcript variant (1), intron variant (2).
Genome position (GRCh38, 1-based): chr2:214,792,440, C>T on the plus strand (G>A on the coding strand, the complement: BARD1 is on the minus strand). VCF-style: chr2-214792440-C-T. GRCh37 (hg19) VCF-style: chr2-215657164-C-T.
Other names: c.164G>A, p.Cys55Tyr (NM_001282543.2); c.221G>A, p.Cys74Tyr (NM_001282549.2); c.158+16972G>A (NM_001282548.2); c.215+4621G>A (NM_001282545.2); short protein forms C74Y, C55Y.
Identifiers: ClinVar variation 482770 (VCV000482770.23), dbSNP rs876658459, ClinGen allele CA350461330.